The following is an entry in ClinVar:

NM_001378452.1(ITPR1):c.7491C>T (p.Ser2497=)

Gene: ITPR1 (inositol 1,4,5-trisphosphate receptor type 1; plus strand). Cytogenetic location: 3p26.1.
Variant type: single nucleotide variant.
Coding change: c.7491C>T on transcript NM_001378452.1 (MANE Select); coding-DNA position 7491, C replaced by T.
Protein change: p.Ser2497=; no amino-acid change (serine 2497 retained).
Molecular consequence: synonymous variant.
Genome position (GRCh38, 1-based): chr3:4,813,164, C>T. VCF-style: chr3-4813164-C-T. GRCh37 (hg19) VCF-style: chr3-4854848-C-T.
Other names: c.7347C>T, p.Ser2449= (NM_001099952.4); c.7446C>T, p.Ser2482= (NM_001168272.2); c.7302C>T, p.Ser2434= (NM_002222.7).
Identifiers: ClinVar variation 902189 (VCV000902189.38), dbSNP rs371986594, ClinGen allele CA2232862.

ClinVar aggregate classification (germline): Conflicting classifications of pathogenicity. Review status: criteria provided, conflicting classifications (1 of 4 stars). 5 submissions from 5 submitters: Uncertain significance (1); Benign (3); Likely benign (1). Last evaluated 2025-12-09.

Conditions:
Autosomal dominant cerebellar ataxia. Also called: Spinocerebellar Ataxia, Dominant. Identifiers: Orphanet 99, MedGen C4087347, MONDO:0020380.

Allele frequency attached by ClinVar (database versions not stated): ESP Exome Variant Server 0.00017; gnomAD 0.00021 and 0.00022; TOPMed 0.00022; ExAC 0.00033; gnomAD exomes 0.00034.
gnomAD v4.1: 352 of 1,613,892 alleles (0.022%); highest among the groups gnomAD compares: South Asian, 0.18%; 3 homozygotes.

Submissions (5):

Labcorp Genetics (formerly Invitae), Labcorp
Classification: Benign. Last evaluated: 2025-12-09. Review status: criteria provided, single submitter. Criteria: Invitae Variant Classification Sherloc (09022015). Collection method: clinical testing. Allele origin: germline.

GeneDx
Classification: Uncertain significance. Last evaluated: 2023-12-08. Review status: criteria provided, single submitter. Criteria: GeneDx Variant Classification Process June 2021. Collection method: clinical testing. Allele origin: germline. Affected: yes.
Comment: In silico analysis suggests this variant may impact gene splicing. In the absence of RNA/functional studies, the actual effect of this sequence change is unknown.; Has not been previously published as pathogenic or benign to our knowledge

CeGaT Center for Human Genetics Tuebingen
Classification: Likely benign. Last evaluated: 2022-03-01. Review status: criteria provided, single submitter. Criteria: CeGaT Center For Human Genetics Tuebingen Variant Classification Criteria Version 2. Collection method: clinical testing. Allele origin: germline. Affected: yes. Observed: 1 variant allele.
Comment: ITPR1: BP7, BS2

Athena Diagnostics
Classification: Benign. Last evaluated: 2020-08-25. Review status: criteria provided, single submitter. Criteria: Athena Diagnostics criteria. Collection method: clinical testing. Allele origin: unknown.

Illumina Laboratory Services, Illumina
Classification: Benign for Spinocerebellar Ataxia, Dominant. Last evaluated: 2018-03-26. Review status: criteria provided, single submitter. Criteria: ICSL Variant Classification Criteria 13 December 2019. Collection method: clinical testing. Allele origin: germline.
Comment: This variant was observed in the ICSL laboratory as part of a predisposition screen in an ostensibly healthy population. It had not been previously curated by ICSL or reported in the Human Gene Mutation Database (HGMD: prior to June 1st, 2018), and was therefore a candidate for classification through an automated scoring system. Utilizing variant allele frequency, disease prevalence and penetrance estimates, and inheritance mode, an automated score was calculated to assess if this variant is too frequent to cause the disease. Based on the score and internal cut-off values, a variant classified as benign is not then subjected to further curation. The score for this variant resulted in a classification of benign for this disease.